The following is an entry in ClinVar:

ClinVar aggregate classification (germline): Conflicting classifications of pathogenicity. Review status: criteria provided, conflicting classifications (1 of 4 stars). 7 submissions from 7 submitters: Uncertain significance (2); Benign (1); Likely benign (1). 3 of the submissions do not count toward it. Last evaluated 2023-12-07.

Conditions:
CPA6-related disorder. Also called: CPA6-related condition.
Familial temporal lobe epilepsy 5. Identifiers: MedGen C3280730, MONDO:0013741, OMIM 614417.
Febrile seizures, familial, 11 (FEB11). Also called: CONVULSIONS, FAMILIAL FEBRILE, 11. Identifiers: MedGen C3280734, MONDO:0024566, OMIM 614418.
Intellectual disability. Also called: intellectual disabilities; Intellectual functioning disability; Intellectual developmental disorder. Identifiers: HP:0002543, MedGen C3714756, MeSH D008607, MONDO:0001071.

Allele frequency attached by ClinVar (database versions not stated): ExAC 0.00086; gnomAD exomes 0.00074 and 0.00030; gnomAD 0.00288 and 0.00300; TOPMed 0.00332; 1000 Genomes Project 30x 0.00375; ESP Exome Variant Server 0.00315; 1000 Genomes Project 0.00359.
gnomAD v4.1: 892 of 1,614,054 alleles (0.055%); highest among the groups gnomAD compares: African/African-American, 0.96%; 2 homozygotes.

Submissions (7):

Labcorp Genetics (formerly Invitae), Labcorp
Classification: Benign for Febrile seizures, familial, 11. Last evaluated: 2023-12-07. Review status: criteria provided, single submitter. Criteria: Invitae Variant Classification Sherloc (09022015). Collection method: clinical testing. Allele origin: germline.

Mendelics
Classification: Uncertain significance for Febrile seizures, familial, 11. Last evaluated: 2019-05-28. Review status: criteria provided, single submitter. Criteria: Mendelics Assertion Criteria 2017. Collection method: clinical testing. Allele origin: unknown.

Eurofins Ntd Llc (ga)
Classification: Uncertain significance. Last evaluated: 2018-07-05. Review status: criteria provided, single submitter. Criteria: EGL ClinVar v180209 classification definitions. Collection method: clinical testing. Allele origin: germline. Observed: 4 variant alleles, 4 heterozygotes.

Illumina Laboratory Services, Illumina
Classification: Likely benign for Familial temporal lobe epilepsy 5. Last evaluated: 2017-04-28. Review status: criteria provided, single submitter. Criteria: ICSL Variant Classification Criteria 13 December 2019. Collection method: clinical testing. Allele origin: germline.
Comment: This variant was observed as part of a predisposition screen in an ostensibly healthy population. A literature search was performed for the gene, cDNA change, and amino acid change (where applicable). Publications were found based on this search. The evidence from the literature, in combination with allele frequency data from public databases where available, was sufficient to determine this variant is unlikely to cause disease. Therefore, this variant is classified as likely benign.

PreventionGenetics, part of Exact Sciences
Classification: Likely benign for CPA6-related condition. Last evaluated: 2020-07-23. Review status: no assertion criteria provided. Collection method: clinical testing. Allele origin: germline. Not counted in ClinVar's aggregate classification.
Comment: This variant is classified as likely benign based on ACMG/AMP sequence variant interpretation guidelines (Richards et al. 2015 PMID: 25741868, with internal and published modifications).

Centre de Biologie Pathologie Génétique, Centre Hospitalier Universitaire de Lille
Classification: Uncertain significance for Intellectual disability. Last evaluated: 2019-01-01. Review status: no assertion criteria provided. Collection method: clinical testing. Allele origin: unknown. Affected: yes. Not counted in ClinVar's aggregate classification.

OMIM
Classification: Pathogenic for FEBRILE SEIZURES, FAMILIAL, 11. Last evaluated: 2012-01-01. Review status: no assertion criteria provided. Collection method: literature only. Allele origin: germline. Not counted in ClinVar's aggregate classification.

Literature cited by the submitters: PubMed 21922598 (cited by 3 submitters); PubMed 23105115 (cited by Eurofins Ntd Llc (ga) and Illumina Laboratory Services, Illumina).

NM_020361.5(CPA6):c.809C>T (p.Ala270Val)

Genes: ARFGEF1-DT (ARFGEF1 divergent transcript; plus strand), CPA6 (carboxypeptidase A6; minus strand). Cytogenetic location: 8q13.2.
Variant type: single nucleotide variant.
Coding change: c.809C>T on transcript NM_020361.5 (MANE Select); coding-DNA position 809, C replaced by T.
Protein change: p.Ala270Val; replaces alanine 270 with valine.
Molecular consequence: missense variant.
Genome position (GRCh38, 1-based): chr8:67,483,797, G>A on the plus strand (C>T on the coding strand, the complement: CPA6 is on the minus strand). VCF-style: chr8-67483797-G-A. GRCh37 (hg19) VCF-style: chr8-68396032-G-A.
Other names: short protein forms A270V.
Identifiers: ClinVar variation 30791 (VCV000030791.24), dbSNP rs114402678, ClinGen allele CA129467.